The following is an entry in ClinVar:

ClinVar aggregate classification (germline): Pathogenic. Review status: criteria provided, multiple submitters, no conflicts (2 of 4 stars). 2 submissions from 2 submitters: Pathogenic (2). Last evaluated 2024-11-20.

Conditions:
Hereditary cancer-predisposing syndrome. Also called: Hereditary neoplastic syndrome; Tumor predisposition; Neoplastic Syndromes, Hereditary; Hereditary Cancer Syndrome. Identifiers: Orphanet 140162, MedGen C0027672, MeSH D009386, MONDO:0015356.
Cardiovascular phenotype. Identifiers: MedGen CN230736.
Neurofibromatosis, type 1 (NF1). Also called: Neurofibromatosis, type I; VON RECKLINGHAUSEN DISEASE; Peripheral type neurofibromatosis; NEUROFIBROMATOSIS, TYPE I, SOMATIC. Identifiers: Orphanet 636, MedGen C0027831, MONDO:0018975, OMIM 162200. Disease mechanism: loss of function.

Submissions (2):

Labcorp Genetics (formerly Invitae), Labcorp
Classification: Pathogenic for Neurofibromatosis, type 1. Last evaluated: 2024-11-20. Review status: criteria provided, single submitter. Criteria: Invitae Variant Classification Sherloc (09022015). Collection method: clinical testing. Allele origin: germline.
Comment: This sequence change creates a premature translational stop signal (p.Ser1875*) in the NF1 gene. It is expected to result in an absent or disrupted protein product. Loss-of-function variants in NF1 are known to be pathogenic (PMID: 10712197, 23913538). This variant is not present in population databases (gnomAD no frequency). This premature translational stop signal has been observed in individual(s) with neurofibromatosis type 1 (PMID: 18546366, 26458495). ClinVar contains an entry for this variant (Variation ID: 857730). Algorithms developed to predict the effect of sequence changes on RNA splicing suggest that this variant may disrupt the consensus splice site. For these reasons, this variant has been classified as Pathogenic.

Ambry Genetics
Classification: Pathogenic for Cardiovascular phenotype; Hereditary cancer-predisposing syndrome. Last evaluated: 2024-08-23. Review status: criteria provided, single submitter. Criteria: Ambry Variant Classification Scheme 2023. Collection method: clinical testing. Allele origin: germline.
Comment: The p.S1875* pathogenic mutation (also known as c.5624C>A), located in coding exon 38 of the NF1 gene, results from a C to A substitution at nucleotide position 5624. This changes the amino acid from a serine to a stop codon within coding exon 38. This variant is considered to be rare based on population cohorts in the Genome Aggregation Database (gnomAD). This alteration is expected to result in loss of function by premature protein truncation or nonsense-mediated mRNA decay. As such, this alteration is interpreted as a disease-causing mutation.

Literature cited by the submitters: PubMed 10712197 (cited by Labcorp Genetics (formerly Invitae), Labcorp); PubMed 23913538 (cited by Labcorp Genetics (formerly Invitae), Labcorp); PubMed 18546366 (cited by Labcorp Genetics (formerly Invitae), Labcorp); PubMed 26458495 (cited by Labcorp Genetics (formerly Invitae), Labcorp).

NM_001042492.3(NF1):c.5687C>A (p.Ser1896Ter)

Gene: NF1 (neurofibromin 1; plus strand). Cytogenetic location: 17q11.2.
Variant type: single nucleotide variant.
Coding change: c.5687C>A on transcript NM_001042492.3 (MANE Select); coding-DNA position 5687, C replaced by A.
Protein change: p.Ser1896Ter; replaces serine 1896 with a stop codon.
Molecular consequence: nonsense.
Genome position (GRCh38, 1-based): chr17:31,330,373, C>A. VCF-style: chr17-31330373-C-A. GRCh37 (hg19) VCF-style: chr17-29657391-C-A.
Other names: c.5624C>A, p.Ser1875Ter (NM_000267.4); short protein forms S1875*, S1896*.
Identifiers: ClinVar variation 857730 (VCV000857730.7), dbSNP rs1135402879, ClinGen allele CA399010256.
Genomic context (GRCh38, chr17:31,330,373, plus strand): 5'-TTCTGTGTGCCTTAACTTGTACCTTTAATTTAAAAATCGAGGGCCAGTTACTAGAGACAT[C>A]AGGTTTATGTATCCCTGCCAACAACACCCTCTTTATTGTCTCTATTAGTAAGACACTGGC-3'